The following is an entry in ClinVar:

ClinVar aggregate classification (germline): Uncertain significance (1 of 4 stars; one submission).

Allele frequency attached by ClinVar (database versions not stated): gnomAD exomes below 0.00001; ExAC 0.00001; gnomAD 0.00001; TOPMed 0.00003.
gnomAD v4.1: 3 of 1,613,920 alleles (0.00019%); highest among the groups gnomAD compares: African/African-American, 0.0027%; no homozygotes.

Submission:

Labcorp Genetics (formerly Invitae), Labcorp
Classification: Uncertain significance. Last evaluated: 2024-02-05. Review status: criteria provided, single submitter. Criteria: Invitae Variant Classification Sherloc (09022015). Collection method: clinical testing. Allele origin: germline.
Comment: This sequence change replaces glutamic acid, which is acidic and polar, with lysine, which is basic and polar, at codon 803 of the ABCC8 protein (p.Glu803Lys). This variant is present in population databases (rs369426518, gnomAD 0.01%). This variant has not been reported in the literature in individuals affected with ABCC8-related conditions. Advanced modeling of protein sequence and biophysical properties (such as structural, functional, and spatial information, amino acid conservation, physicochemical variation, residue mobility, and thermodynamic stability) has been performed at Invitae for this missense variant, however the output from this modeling did not meet the statistical confidence thresholds required to predict the impact of this variant on ABCC8 protein function. In summary, the available evidence is currently insufficient to determine the role of this variant in disease. Therefore, it has been classified as a Variant of Uncertain Significance.

NM_000352.6(ABCC8):c.2407G>A (p.Glu803Lys)

Genes: ABCC8 (ATP binding cassette subfamily C member 8; minus strand), LOC110121471 (VISTA enhancer hs1977; plus strand). Cytogenetic location: 11p15.1.
Variant type: single nucleotide variant.
Coding change: c.2407G>A on transcript NM_000352.6 (MANE Select); coding-DNA position 2407, G replaced by A.
Protein change: p.Glu803Lys; replaces glutamic acid 803 with lysine.
Molecular consequence: missense variant. On other transcripts: non-coding transcript variant (1).
Genome position (GRCh38, 1-based): chr11:17,413,462, C>T on the plus strand (G>A on the coding strand, the complement: ABCC8 is on the minus strand). VCF-style: chr11-17413462-C-T. GRCh37 (hg19) VCF-style: chr11-17435009-C-T.
Other names: c.2404G>A, p.Glu802Lys (NM_001351297.2); c.2473G>A, p.Glu825Lys (NM_001351295.2); c.2407G>A, p.Glu803Lys (NM_001351296.2); c.2410G>A, p.Glu804Lys (NM_001287174.3); short protein forms E802K, E803K, E804K, E825K.
Identifiers: ClinVar variation 2981401 (VCV002981401.3), dbSNP rs369426518, ClinGen allele CA5903145.
Genomic context (GRCh38, chr11:17,413,462, plus strand): 5'-CAATCTGGGTCTGGTCTCCATGGGGCAGGATGTCGATGTCTGGCTGCAGAGAGCAGGCTT[C>T]AATGACCATCTTGTACCTGGCGTGGGTAGAGGCAGGGGATGCAGCTGGTCAGCCTGGTCA-3'
Protein context (NP_000343.2, residues 793-813): FNKQRYKMVI[Glu803Lys]ACSLQPDIDI